The following is an entry in ClinVar:

ClinVar aggregate classification (germline): Uncertain significance. Review status: criteria provided, multiple submitters, no conflicts (2 of 4 stars). 2 submissions from 2 submitters: Uncertain significance (2). Last evaluated 2024-07-21.

Conditions:
ANXA11-related disorder. Also called: ANXA11-related condition.

Allele frequency attached by ClinVar (database versions not stated): gnomAD 0.00002; gnomAD exomes 0.00002; TOPMed 0.00003; ESP Exome Variant Server 0.00008.

Submissions (2):

Labcorp Genetics (formerly Invitae), Labcorp
Classification: Uncertain significance. Last evaluated: 2024-07-21. Review status: criteria provided, single submitter. Criteria: Invitae Variant Classification Sherloc (09022015). Collection method: clinical testing. Allele origin: germline.
Comment: This sequence change affects the initiator methionine of the ANXA11 mRNA. The next in-frame methionine is located at codon 34. This variant is present in population databases (rs140804022, gnomAD 0.007%). This variant has not been reported in the literature in individuals affected with ANXA11-related conditions. ClinVar contains an entry for this variant (Variation ID: 2628481). In summary, the available evidence is currently insufficient to determine the role of this variant in disease. Therefore, it has been classified as a Variant of Uncertain Significance.

PreventionGenetics, part of Exact Sciences
Classification: Uncertain significance for ANXA11-related condition. Last evaluated: 2023-02-28. Review status: criteria provided, single submitter. Criteria: ACMG Guidelines, 2015. Collection method: clinical testing. Allele origin: germline.
Comment: The ANXA11 c.3G>A variant is predicted to disrupt the translation initiation site (Start Loss). To our knowledge, this variant has not been reported in the literature. This variant is reported in 0.0062% of alleles in individuals of African descent in gnomAD. At this time, the clinical significance of this variant is uncertain due to the absence of conclusive functional and genetic evidence.

NM_145868.2(ANXA11):c.3G>A (p.Met1Ile)

Gene: ANXA11 (annexin A11; minus strand). Cytogenetic location: 10q22.3.
Variant type: single nucleotide variant.
Coding change: c.3G>A on transcript NM_145868.2 (MANE Select); coding-DNA position 3, G replaced by A.
Protein change: p.Met1Ile; changes the start codon (methionine 1).
Molecular consequence: missense variant, initiator codon variant. On other transcripts: 5 prime UTR variant (1).
Genome position (GRCh38, 1-based): chr10:80,172,859, C>T on the plus strand (G>A on the coding strand, the complement: ANXA11 is on the minus strand). VCF-style: chr10-80172859-C-T. GRCh37 (hg19) VCF-style: chr10-81932615-C-T.
Other names: c.3G>A, p.Met1Ile (NM_001157.3, NM_001278407.2, NM_001278408.2 and 1 more transcripts); c.-366G>A (NM_001278409.2); short protein forms M1I.
Identifiers: ClinVar variation 2628481 (VCV002628481.3), dbSNP rs140804022, ClinGen allele CA210335547.